The following is an entry in ClinVar:

ClinVar aggregate classification (germline): Benign (1 of 4 stars; one submission).

Allele frequency attached by ClinVar (database versions not stated): ExAC 0.00040; gnomAD 0.00117; 1000 Genomes Project 0.00120; ESP Exome Variant Server 0.00127; TOPMed 0.00133; 1000 Genomes Project 30x 0.00172.
gnomAD v4.1: 371 of 1,612,776 alleles (0.023%); highest among the groups gnomAD compares: African/African-American, 0.4%; 1 homozygote.

Submission:

CeGaT Center for Human Genetics Tuebingen
Classification: Benign. Last evaluated: 2022-04-01. Review status: criteria provided, single submitter. Criteria: CeGaT Center For Human Genetics Tuebingen Variant Classification Criteria Version 2. Collection method: clinical testing. Allele origin: germline. Affected: yes. Observed: 1 variant allele.
Comment: DDX6: BS1, BS2

NM_004397.6(DDX6):c.865-8C>T

Gene: DDX6 (DEAD-box helicase 6; minus strand). Cytogenetic location: 11q23.3.
Variant type: single nucleotide variant.
Coding change: c.865-8C>T on transcript NM_004397.6 (MANE Select); 8 bases into the intron before coding-DNA position 865, C replaced by T.
Molecular consequence: intron variant.
Genome position (GRCh38, 1-based): chr11:118,758,910, G>A on the plus strand (C>T on the coding strand, the complement: DDX6 is on the minus strand). VCF-style: chr11-118758910-G-A. GRCh37 (hg19) VCF-style: chr11-118629619-G-A.
Other names: c.865-8C>T (NM_001257191.3).
Identifiers: ClinVar variation 2642445 (VCV002642445.24), dbSNP rs193251825, ClinGen allele CA6308420.
Genomic context (GRCh38, chr11:118,758,910, plus strand): 5'-AGAGTTAGTTCCTCCATCAGGTTAATCTCATAGGGTTTCTGCAAATGGGAATTCTGGGGG[G>A]GGAGCGGGAAAAAGATGAGTCGTCGTCTTAAATGAAAGCAGAGTTCATCTCAAATTCAAA-3'